The following is an entry in ClinVar:

NM_005051.3(QARS1):c.1759-13T>A

Gene: QARS1 (glutaminyl-tRNA synthetase 1; minus strand). Cytogenetic location: 3p21.31.
Variant type: single nucleotide variant.
Coding change: c.1759-13T>A on transcript NM_005051.3 (MANE Select); 13 bases into the intron before coding-DNA position 1759, T replaced by A.
Molecular consequence: intron variant.
Genome position (GRCh38, 1-based): chr3:49,099,002, A>T on the plus strand (T>A on the coding strand, the complement: QARS1 is on the minus strand). VCF-style: chr3-49099002-A-T. GRCh37 (hg19) VCF-style: chr3-49136435-A-T.
Other names: c.1726-13T>A (NM_001272073.2).
Identifiers: ClinVar variation 1302443 (VCV001302443.10), dbSNP rs375454834, ClinGen allele CA2391644.

ClinVar aggregate classification (germline): Conflicting classifications of pathogenicity. Review status: criteria provided, conflicting classifications (1 of 4 stars). 2 submissions from 2 submitters: Uncertain significance (1); Likely benign (1). Last evaluated 2023-07-17.

Conditions:
Diffuse cerebral and cerebellar atrophy - intractable seizures - progressive microcephaly syndrome. Also called: Microcephaly, progressive, with seizures and cerebral and cerebellar atrophy. Identifiers: Orphanet 404437, MedGen C4014239, MONDO:0014335, OMIM 615760.

Allele frequency attached by ClinVar (database versions not stated): gnomAD exomes 0.00006; ESP Exome Variant Server 0.00008; ExAC 0.00012.
gnomAD v4.1: 52 of 1,612,218 alleles (0.0032%); highest among the groups gnomAD compares: Non-Finnish European, 0.0036%; no homozygotes.

Submissions (2):

Labcorp Genetics (formerly Invitae), Labcorp
Classification: Likely benign for Diffuse cerebral and cerebellar atrophy - intractable seizures - progressive microcephaly syndrome. Last evaluated: 2023-07-17. Review status: criteria provided, single submitter. Criteria: Invitae Variant Classification Sherloc (09022015). Collection method: clinical testing. Allele origin: germline.

GeneDx
Classification: Uncertain significance. Last evaluated: 2021-10-26. Review status: criteria provided, single submitter. Criteria: GeneDx Variant Classification Process June 2021. Collection method: clinical testing. Allele origin: germline. Affected: yes.
Comment: Not observed at significant frequency in large population cohorts (Lek et al., 2016); Has not been previously published as pathogenic or benign to our knowledge; In-silico analysis, which includes splice predictors and evolutionary conservation, is inconclusive as to whether the variant alters gene splicing. In the absence of RNA/functional studies, the actual effect of this sequence change is unknown.